The following is an entry in ClinVar:

NM_006482.3(DYRK2):c.1644G>A (p.Thr548=)

Gene: DYRK2 (dual specificity tyrosine phosphorylation regulated kinase 2; plus strand). Cytogenetic location: 12q15.
Variant type: single nucleotide variant.
Coding change: c.1644G>A on transcript NM_006482.3 (MANE Select); coding-DNA position 1644, G replaced by A.
Protein change: p.Thr548=; no amino-acid change (threonine 548 retained).
Molecular consequence: synonymous variant.
Genome position (GRCh38, 1-based): chr12:67,658,551, G>A. VCF-style: chr12-67658551-G-A. GRCh37 (hg19) VCF-style: chr12-68052331-G-A.
Other names: c.1425G>A, p.Thr475= (NM_003583.4).
Identifiers: ClinVar variation 4085192 (VCV004085192.8).

ClinVar aggregate classification (germline): Likely benign (1 of 4 stars; one submission).

gnomAD v4.1: 14 of 1,613,976 alleles (0.00087%); highest among the groups gnomAD compares: African/African-American, 0.0067%; no homozygotes.

Submission:

CeGaT Center for Human Genetics Tuebingen
Classification: Likely benign. Last evaluated: 2025-06-01. Review status: criteria provided, single submitter. Criteria: CeGaT Center For Human Genetics Tuebingen Variant Classification Criteria Version 2. Collection method: clinical testing. Allele origin: germline. Affected: yes. Observed: 1 variant allele.
Comment: DYRK2: BP4, BP7